The following is an entry in ClinVar:

NM_198253.3(TERT):c.1987A>C (p.Ser663Arg)

Gene: TERT (telomerase reverse transcriptase; minus strand). Cytogenetic location: 5p15.33.
Variant type: single nucleotide variant.
Coding change: c.1987A>C on transcript NM_198253.3 (MANE Select); coding-DNA position 1987, A replaced by C.
Protein change: p.Ser663Arg; replaces serine 663 with arginine.
Molecular consequence: missense variant. On other transcripts: non-coding transcript variant (2).
Genome position (GRCh38, 1-based): chr5:1,279,434, T>G on the plus strand (A>C on the coding strand, the complement: TERT is on the minus strand). VCF-style: chr5-1279434-T-G. GRCh37 (hg19) VCF-style: chr5-1279549-T-G.
Other names: c.1987A>C, p.Ser663Arg (NM_001193376.3, NM_003219.1); short protein forms S663R.
Identifiers: ClinVar variation 1783882 (VCV001783882.16), dbSNP rs1749860434, ClinGen allele CA359080778.

ClinVar aggregate classification (germline): Uncertain significance. Review status: criteria provided, multiple submitters, no conflicts (2 of 4 stars). 4 submissions from 4 submitters: Uncertain significance (4). Last evaluated 2026-03-01.

Conditions:
Dyskeratosis congenita. Identifiers: Orphanet 1775, MedGen C0265965, MONDO:0015780.
Dyskeratosis congenita, autosomal dominant 2. Identifiers: MedGen C3151443, MONDO:0013521, OMIM 613989.
Idiopathic Pulmonary Fibrosis. Also called: Idiopathic fibrosing alveolitis, chronic form; idiopathic fibrosing alveolitis. Identifiers: Orphanet 2032, MedGen C1800706, MeSH D054990, MONDO:0800504.

Allele frequency attached by ClinVar (database versions not stated): TOPMed below 0.00001.
gnomAD v4.1: 1 of 1,550,840 alleles (0.000064%); highest among the groups gnomAD compares: Non-Finnish European, 0.000087%; no homozygotes.

Submissions (4):

CeGaT Center for Human Genetics Tuebingen
Classification: Uncertain significance. Last evaluated: 2026-03-01. Review status: criteria provided, single submitter. Criteria: CeGaT Center For Human Genetics Tuebingen Variant Classification Criteria Version 2. Collection method: clinical testing. Allele origin: germline. Affected: yes. Observed: 3 variant alleles.
Comment: TERT: PM2

Ambry Genetics
Classification: Uncertain significance for Dyskeratosis congenita. Last evaluated: 2025-03-11. Review status: criteria provided, single submitter. Criteria: Ambry Variant Classification Scheme 2023. Collection method: clinical testing. Allele origin: germline.
Comment: The p.S663R variant (also known as c.1987A>C), located in coding exon 5 of the TERT gene, results from an A to C substitution at nucleotide position 1987. The serine at codon 663 is replaced by arginine, an amino acid with dissimilar properties. This amino acid position is not well conserved in available vertebrate species. In addition, the in silico prediction for this alteration is inconclusive. Based on the available evidence, the clinical significance of this variant remains unclear.

Labcorp Genetics (formerly Invitae), Labcorp
Classification: Uncertain significance for Dyskeratosis congenita, autosomal dominant 2; Idiopathic Pulmonary Fibrosis. Last evaluated: 2023-04-24. Review status: criteria provided, single submitter. Criteria: Invitae Variant Classification Sherloc (09022015). Collection method: clinical testing. Allele origin: germline.
Comment: This sequence change replaces serine, which is neutral and polar, with arginine, which is basic and polar, at codon 663 of the TERT protein (p.Ser663Arg). This variant is not present in population databases (gnomAD no frequency). This missense change has been observed in individual(s) with clinical features of familial pulmonary fibrosis (PMID: 28099038; Invitae). ClinVar contains an entry for this variant (Variation ID: 1783882). Advanced modeling of protein sequence and biophysical properties (such as structural, functional, and spatial information, amino acid conservation, physicochemical variation, residue mobility, and thermodynamic stability) performed at Invitae indicates that this missense variant is expected to disrupt TERT protein function. In summary, the available evidence is currently insufficient to determine the role of this variant in disease. Therefore, it has been classified as a Variant of Uncertain Significance.

Revvity Omics, Revvity
Classification: Uncertain significance. Last evaluated: 2021-12-20. Review status: criteria provided, single submitter. Criteria: ACMG Guidelines, 2015. Collection method: clinical testing. Allele origin: germline.

Literature cited by the submitters: PubMed 28099038 (cited by Labcorp Genetics (formerly Invitae), Labcorp).